The following is an entry in ClinVar:

NM_000277.3(PAH):c.470_471delinsAC (p.Arg157Asn)

Gene: PAH (phenylalanine hydroxylase; minus strand). Cytogenetic location: 12q23.2.
Variant type: Indel.
Coding change: c.470_471delinsAC on transcript NM_000277.3 (MANE Select); coding-DNA positions 470 to 471, GA replaced by AC.
Protein change: p.Arg157Asn; replaces arginine 157 with asparagine.
Molecular consequence: missense variant.
Genome position (GRCh38, 1-based): chr12:102,866,634-102,866,635, TC replaced by GT on the plus strand (GA replaced by AC on the coding strand, the reverse complement: PAH is on the minus strand). VCF-style: chr12-102866634-TC-GT. GRCh37 (hg19) VCF-style: chr12-103260412-TC-GT.
Other names: NM_000277.2(PAH):c.470_471delGAinsAC; p.Arg157Asn; c.470_471delinsAC, p.Arg157Asn (NM_001354304.2); c.470_471delinsAC (NM_000277.1); short protein forms R157N.
Identifiers: ClinVar variation 590772 (VCV000590772.4), dbSNP rs1565853495, ClinGen allele CA16020798.

ClinVar aggregate classification (germline): Uncertain significance. Review status: reviewed by expert panel (3 of 4 stars). 3 submissions from 3 submitters: Uncertain significance (1). 2 of the submissions do not count toward it. Last evaluated 2026-06-26.

Conditions:
PAH-related disorder. Also called: PAH-related condition.
Phenylketonuria (PKU). Also called: OLIGOPHRENIA PHENYLPYRUVICA; Phenylketonurias; FOLLING DISEASE; Phenylketonuria (PKU). Identifiers: Orphanet 716, MedGen C0031485, MONDO:0009861, OMIM 261600. Disease mechanism: loss of function.

Submissions (3):

ClinGen PAH Variant Curation Expert Panel
Classification: Uncertain significance for Phenylketonuria. Last evaluated: 2026-06-26. Review status: reviewed by expert panel. Criteria: ClinGen PAH ACMG Specifications PAH V2.0.0. Collection method: curation. Allele origin: germline. Inheritance: Autosomal recessive inheritance.
Comment: The c.470_471delGAinsAC (p.Arg157Asn) variant in PAH has been reported in at least one patient with PKU (plasma Phe 643 mol/L) (PMID: 9781015, 27413125; PP4). One individual was compound heterozygous for the variant and a pathogenic variant in unknown phase (PMID: 27413125, PM3_supporting). Mutant PAH expression of this variant in human kidney cells A293 showed 5% enzyme activity in vitro with < 10 benign/pathogenic variant controls indicating that this variant impacts protein function (PMID: 9450897, 9792411)(PS3_supporting). Computational prediction tools and conservation analysis suggest that this variant may impact the protein (PP3). Two different missense variants, p.Arg157Ser and p.Arg157Lys, in the same codon have been classified as likely pathogenic for PAH deficiency by the ClinGen PAH Variant Curation Expert Panel [PM5_supporting]. In summary, this variant meets criteria to be classified as uncertain significance for PAH. PAH-specific ACMG/AMP criteria applied: PP4, PS3_supporting, PM2_supporting, PM3_supporting, PM5_supporting, PP3.

Core Molecular Diagnostic Lab, McGill University Health Centre
Classification: Pathogenic for Phenylketonuria. Last evaluated: 2018-11-13. Review status: criteria provided, single submitter. Criteria: ACMG Guidelines, 2015. Collection method: clinical testing. Allele origin: germline, paternal. Inheritance: Autosomal recessive inheritance. Affected: no and yes. Observed: 3 variant alleles, 2 heterozygotes, 1 compound heterozygote. Not counted in ClinVar's aggregate classification.

PreventionGenetics, part of Exact Sciences
Classification: Likely pathogenic for PAH-related condition. Last evaluated: 2024-05-22. Review status: no assertion criteria provided. Collection method: clinical testing. Allele origin: germline. Not counted in ClinVar's aggregate classification.
Comment: The PAH c.470_471delinsAC variant is predicted to result in an in-frame deletion and insertion. This variant was reported along with another known pathogenic PAH variant in an individual with classic phenylketonuria (PKU) (Waters et al. 1998. PubMed ID: 9792411). It was also reported in a patient with PKU for which no additional genetic information was provided (Carter et al. 1998. PubMed ID: 9781015). In experimental studies, the p.Arg157Asn substitution severely impacted protein expression and enzyme activity (Waters et al. 1998. PubMed ID: 9792411; Waters et al. 2001. PubMed ID: 11461190) and was predicted to effect enzyme stability (Shi et al. 2011. PubMed ID: 21953985). Different substitutions impacting the same amino acid (p.Arg157Lys, p.Arg157Ile, p.Arg157Ser) have been reported along with a second PAH variant in patients with phenylalanine hydroxylase deficiency (Hillert et al. 2020. PubMed ID: 32668217). This variant has not been reported in a large population database, indicating this variant is rare. This variant is interpreted as likely pathogenic.